The following is an entry in ClinVar:

NM_001365951.3(KIF1B):c.253G>A (p.Ala85Thr)

Gene: KIF1B (kinesin family member 1B; plus strand). Cytogenetic location: 1p36.22.
Variant type: single nucleotide variant.
Coding change: c.253G>A on transcript NM_001365951.3 (MANE Select); coding-DNA position 253, G replaced by A.
Protein change: p.Ala85Thr; replaces alanine 85 with threonine.
Molecular consequence: missense variant.
Genome position (GRCh38, 1-based): chr1:10,258,562, G>A. VCF-style: chr1-10258562-G-A. GRCh37 (hg19) VCF-style: chr1-10318620-G-A.
Other names: c.253G>A, p.Ala85Thr (NM_001365952.1, NM_001365953.1, NM_015074.3 and 1 more transcripts); short protein forms A85T.
Identifiers: ClinVar variation 2448760 (VCV002448760.3), dbSNP rs765957120, ClinGen allele CA17832799.

ClinVar aggregate classification (germline): Uncertain significance. Review status: criteria provided, multiple submitters, no conflicts (2 of 4 stars). 2 submissions from 2 submitters: Uncertain significance (2). Last evaluated 2023-02-10.

Conditions:
KIF1B-related disorder. Also called: KIF1B-related condition.

gnomAD v4.1: 1 of 1,614,062 alleles (0.000062%); highest among the groups gnomAD compares: Non-Finnish European, 0.000085%; no homozygotes.

Submissions (2):

Ambry Genetics
Classification: Uncertain significance. Last evaluated: 2023-02-10. Review status: criteria provided, single submitter. Criteria: Ambry Variant Classification Scheme 2023. Collection method: clinical testing. Allele origin: germline.
Comment: The p.A85T variant (also known as c.253G>A), located in coding exon 3 of the KIF1B gene, results from a G to A substitution at nucleotide position 253. The alanine at codon 85 is replaced by threonine, an amino acid with similar properties. This amino acid position is highly conserved in available vertebrate species. In addition, this alteration is predicted to be deleterious by in silico analysis. The evidence for this gene-disease relationship is limited; therefore, the clinical significance of this alteration is unclear.

PreventionGenetics, part of Exact Sciences
Classification: Uncertain significance for KIF1B-related condition. Last evaluated: 2022-12-22. Review status: criteria provided, single submitter. Criteria: ACMG Guidelines, 2015. Collection method: clinical testing. Allele origin: germline.
Comment: The KIF1B c.253G>A variant is predicted to result in the amino acid substitution p.Ala85Thr. To our knowledge, this variant has not been reported in the literature or in a large population database, indicating this variant is rare. At this time, the clinical significance of this variant is uncertain due to the absence of conclusive functional and genetic evidence.